The following is an entry in ClinVar:

ClinVar aggregate classification (germline): Pathogenic (1 of 4 stars; one submission).

Conditions:
Primary ciliary dyskinesia. Also called: Ciliary dyskinesia. Identifiers: Orphanet 244, MedGen C0008780, MONDO:0016575, HP:0012265.

Submission:

Labcorp Genetics (formerly Invitae), Labcorp
Classification: Pathogenic for Primary ciliary dyskinesia. Last evaluated: 2025-11-27. Review status: criteria provided, single submitter. Criteria: Invitae Variant Classification Sherloc (09022015). Collection method: clinical testing. Allele origin: germline.
Comment: This sequence change creates a premature translational stop signal (p.Leu632Lysfs*2) in the CCDC39 gene. It is expected to result in an absent or disrupted protein product. Loss-of-function variants in CCDC39 are known to be pathogenic (PMID: 21131972, 23255504). This variant is not present in population databases (gnomAD no frequency). This variant has not been reported in the literature in individuals affected with CCDC39-related conditions. For these reasons, this variant has been classified as Pathogenic.

Literature cited by the submitters: PubMed 21131972; PubMed 23255504.

NM_181426.2(CCDC39):c.1893_1894del (p.Leu632fs)

Gene: CCDC39 (coiled-coil domain 39 molecular ruler complex subunit; minus strand). Cytogenetic location: 3q26.33.
Variant type: Deletion.
Coding change: c.1893_1894del on transcript NM_181426.2 (MANE Select); coding-DNA positions 1893 to 1894, 2 bases deleted (GC; older notation c.1893_1894delGC).
Protein change: p.Leu632fs; shifts the reading frame from leucine 632.
Molecular consequence: frameshift variant.
Genome position (GRCh38, 1-based): chr3:180,631,573-180,631,574, GC deleted on the plus strand (GC on the coding strand, the reverse complement: CCDC39 is on the minus strand). VCF-style (leftmost placement, unchanged base first): chr3-180631572-AGC-A. GRCh37 (hg19) VCF-style: chr3-180349360-AGC-A.
Other names: short protein forms L632fs.
Identifiers: ClinVar variation 4768707 (VCV004768707.1).